The following is an entry in ClinVar:

NM_001035.3(RYR2):c.7424_7431del (p.Val2475fs)

Gene: RYR2 (ryanodine receptor 2; plus strand). Cytogenetic location: 1q43.
Variant type: Deletion.
Coding change: c.7424_7431del on transcript NM_001035.3 (MANE Select); coding-DNA positions 7424 to 7431, 8 bases deleted (TCTATGGG; older notation c.7424_7431delTCTATGGG).
Protein change: p.Val2475fs; shifts the reading frame from valine 2475.
Molecular consequence: frameshift variant.
Genome position (GRCh38, 1-based): chr1:237,648,525-237,648,532, TCTATGGG deleted; deleting any 8 consecutive bases within chr1:237,648,522-237,648,532 gives the same sequence; the c. name uses the placement nearest the transcript's 3' end. VCF-style (leftmost placement, unchanged base first): chr1-237648521-AGGGTCTAT-A. GRCh37 (hg19) VCF-style: chr1-237811821-AGGGTCTAT-A.
Other names: short protein forms V2475fs.
Identifiers: ClinVar variation 2864185 (VCV002864185.3), dbSNP rs2547025994, ClinGen allele CA2739274092.
Genomic context (GRCh38, chr1:237,648,521, plus strand): 5'-CCTGACATGTCTGCGGGGTTTTGCCCAGATCACAAGGCAGCCATGGTTTTATTCCTTGAC[AGGGTCTAT>A]GGGATTGAGGTTCAAGACTTCCTCCTCCATCTTCTTGAGGTTGGCTTTCTGCCAGATCTC-3'

ClinVar aggregate classification (germline): Uncertain significance (1 of 4 stars; one submission).

Conditions:
Catecholaminergic polymorphic ventricular tachycardia 1. Also called: VENTRICULAR TACHYCARDIA, STRESS-INDUCED POLYMORPHIC 1; RYR2-Related Catecholaminergic Polymorphic Ventricular Tachycardia; VENTRICULAR TACHYCARDIA, CATECHOLAMINERGIC POLYMORPHIC, 1, WITH OR WITHOUT ATRIAL DYSFUNCTION AND/OR DILATED CARDIOMYOPATHY. Identifiers: Orphanet 3286, MedGen C1631597, MONDO:0011484, OMIM 604772.

Submission:

Labcorp Genetics (formerly Invitae), Labcorp
Classification: Uncertain significance for Catecholaminergic polymorphic ventricular tachycardia 1. Last evaluated: 2023-05-14. Review status: criteria provided, single submitter. Criteria: Invitae Variant Classification Sherloc (09022015). Collection method: clinical testing. Allele origin: germline.
Comment: In summary, the available evidence is currently insufficient to determine the role of this variant in disease. Therefore, it has been classified as a Variant of Uncertain Significance. This variant has not been reported in the literature in individuals affected with RYR2-related conditions. This variant is not present in population databases (gnomAD no frequency). This sequence change creates a premature translational stop signal (p.Val2475Aspfs*2) in the RYR2 gene. It is expected to result in an absent or disrupted protein product. However, the current clinical and genetic evidence is not sufficient to establish whether loss-of-function variants in RYR2 cause disease.